The following is an entry in ClinVar:

ClinVar aggregate classification (germline): Uncertain significance (1 of 4 stars; one submission).

Submission:

Labcorp Genetics (formerly Invitae), Labcorp
Classification: Uncertain significance. Last evaluated: 2023-08-18. Review status: criteria provided, single submitter. Criteria: Invitae Variant Classification Sherloc (09022015). Collection method: clinical testing. Allele origin: germline.
Comment: In summary, the available evidence is currently insufficient to determine the role of this variant in disease. Therefore, it has been classified as a Variant of Uncertain Significance. An algorithm developed to predict the effect of missense changes on protein structure and function (PolyPhen-2) suggests that this variant is likely to be tolerated. This variant has not been reported in the literature in individuals affected with FZD2-related conditions. This variant is not present in population databases (gnomAD no frequency). This sequence change replaces glycine, which is neutral and non-polar, with valine, which is neutral and non-polar, at codon 175 of the FZD2 protein (p.Gly175Val).

NM_001466.4(FZD2):c.524G>T (p.Gly175Val)

Gene: FZD2 (frizzled class receptor 2; plus strand). Cytogenetic location: 17q21.31.
Variant type: single nucleotide variant.
Coding change: c.524G>T on transcript NM_001466.4 (MANE Select); coding-DNA position 524, G replaced by T.
Protein change: p.Gly175Val; replaces glycine 175 with valine.
Molecular consequence: missense variant.
Genome position (GRCh38, 1-based): chr17:44,558,212, G>T. VCF-style: chr17-44558212-G-T. GRCh37 (hg19) VCF-style: chr17-42635580-G-T.
Other names: short protein forms G175V.
Identifiers: ClinVar variation 2869354 (VCV002869354.3), dbSNP rs762514513, ClinGen allele CA290947745.
Genomic context (GRCh38, chr17:44,558,212, plus strand): 5'-ACTCCGAGGACGGAGCTCCCGCGCTACTCACCACCGCGCCGCCGCCGGGACTGCAGCCGG[G>T]TGCCGGGGGCACCCCGGGTGGCCCGGGCGGCGGCGGCGCTCCCCCGCGCTACGCCACGCT-3'
Protein context (NP_001457.1, residues 165-185): TTAPPPGLQP[Gly175Val]AGGTPGGPGG